The following is an entry in ClinVar:

NM_001371596.2(MFSD8):c.1509C>A (p.Tyr503Ter)

Gene: MFSD8 (major facilitator superfamily domain containing 8; minus strand). Cytogenetic location: 4q28.2.
Variant type: single nucleotide variant.
Coding change: c.1509C>A on transcript NM_001371596.2 (MANE Select); coding-DNA position 1509, C replaced by A.
Protein change: p.Tyr503Ter; replaces tyrosine 503 with a stop codon.
Molecular consequence: nonsense.
Genome position (GRCh38, 1-based): chr4:127,920,678, G>T on the plus strand (C>A on the coding strand, the complement: MFSD8 is on the minus strand). VCF-style: chr4-127920678-G-T. GRCh37 (hg19) VCF-style: chr4-128841833-G-T.
Other names: c.1308C>A, p.Tyr436Ter (NM_001363520.3); c.1194C>A, p.Tyr398Ter (NM_001363521.3); c.1374C>A, p.Tyr458Ter (NM_001371590.2); c.1518C>A, p.Tyr506Ter (NM_001371591.2); c.1515C>A, p.Tyr505Ter (NM_001371592.2); c.1395C>A, p.Tyr465Ter (NM_001371593.2); c.1362C>A, p.Tyr454Ter (NM_001371594.2); c.1227C>A, p.Tyr409Ter (NM_001371595.1); and 3 more; short protein forms Y398*, Y409*, Y465*, Y503*, Y506*, Y458*, Y505*, Y353*.
Identifiers: ClinVar variation 2020084 (VCV002020084.4), dbSNP rs2546042204, ClinGen allele CA358170529.

ClinVar aggregate classification (germline): Uncertain significance (1 of 4 stars; one submission).

Conditions:
Neuronal ceroid lipofuscinosis 7 (CLN7). Also called: MFSD8-Related Neuronal Ceroid-Lipofuscinosis. Identifiers: Orphanet 168491, Orphanet 228366, MedGen C1838571, MONDO:0012588, OMIM 610951.

Submission:

Labcorp Genetics (formerly Invitae), Labcorp
Classification: Uncertain significance for Neuronal ceroid lipofuscinosis 7. Last evaluated: 2025-04-28. Review status: criteria provided, single submitter. Criteria: Invitae Variant Classification Sherloc (09022015). Collection method: clinical testing. Allele origin: germline.
Comment: This sequence change creates a premature translational stop signal (p.Tyr503*) in the MFSD8 gene. While this is not anticipated to result in nonsense mediated decay, it is expected to disrupt the last 16 amino acid(s) of the MFSD8 protein. This variant is not present in population databases (gnomAD no frequency). This premature translational stop signal has been observed in individual(s) with retinal dystrophy (internal data). ClinVar contains an entry for this variant (Variation ID: 2020084). Experimental studies and prediction algorithms are not available or were not evaluated, and the functional significance of this variant is currently unknown. In summary, the available evidence is currently insufficient to determine the role of this variant in disease. Therefore, it has been classified as a Variant of Uncertain Significance.